The following is an entry in ClinVar:

NM_020774.4(MIB1):c.230-6T>C

Gene: MIB1 (MIB E3 ubiquitin protein ligase 1; plus strand). Cytogenetic location: 18q11.2.
Variant type: single nucleotide variant.
Coding change: c.230-6T>C on transcript NM_020774.4 (MANE Select); 6 bases into the intron before coding-DNA position 230, T replaced by C.
Molecular consequence: intron variant.
Genome position (GRCh38, 1-based): chr18:21,765,766, T>C. VCF-style: chr18-21765766-T-C. GRCh37 (hg19) VCF-style: chr18-19345727-T-C.
Identifiers: ClinVar variation 511952 (VCV000511952.5), dbSNP rs1555689079, ClinGen allele CA658799006.

ClinVar aggregate classification (germline): Likely benign. Review status: criteria provided, multiple submitters, no conflicts (2 of 4 stars). 2 submissions from 2 submitters: Likely benign (2). Last evaluated 2019-12-31.

Allele frequency attached by ClinVar (database versions not stated): gnomAD exomes below 0.00001.
gnomAD v4.1: 2 of 1,611,532 alleles (0.00012%); highest among the groups gnomAD compares: Non-Finnish European, 0.00017%; no homozygotes.

Submissions (2):

Labcorp Genetics (formerly Invitae), Labcorp
Classification: Likely benign. Last evaluated: 2019-12-31. Review status: criteria provided, single submitter. Criteria: Invitae Variant Classification Sherloc (09022015). Collection method: clinical testing. Allele origin: germline.

GeneDx
Classification: Likely benign. Last evaluated: 2017-09-08. Review status: criteria provided, single submitter. Criteria: GeneDx Variant Classification (06012015). Collection method: clinical testing. Allele origin: germline. Affected: yes.
Comment: This variant is considered likely benign or benign based on one or more of the following criteria: it is a conservative change, it occurs at a poorly conserved position in the protein, it is predicted to be benign by multiple in silico algorithms, and/or has population frequency not consistent with disease.